The following is an entry in ClinVar:

NM_006852.6(TLK2):c.9A>C (p.Glu3Asp)

Gene: TLK2 (tousled like kinase 2; plus strand). Cytogenetic location: 17q23.2.
Variant type: single nucleotide variant.
Coding change: c.9A>C on transcript NM_006852.6 (MANE Select); coding-DNA position 9, A replaced by C.
Protein change: p.Glu3Asp; replaces glutamic acid 3 with aspartic acid.
Molecular consequence: missense variant. On other transcripts: 5 prime UTR variant (2).
Genome position (GRCh38, 1-based): chr17:62,481,134, A>C. VCF-style: chr17-62481134-A-C. GRCh37 (hg19) VCF-style: chr17-60558495-A-C.
Other names: c.9A>C, p.Glu3Asp (NM_001284333.3, NM_001284363.1, NM_001375270.1 and 6 more transcripts); c.-489A>C (NM_001330418.3, NM_001375273.1); c.147A>C, p.Glu49Asp (NM_001375269.1); short protein forms E3D, E49D.
Identifiers: ClinVar variation 4682022 (VCV004682022.5).

ClinVar aggregate classification (germline): Uncertain significance (1 of 4 stars; one submission).

Submission:

CeGaT Center for Human Genetics Tuebingen
Classification: Uncertain significance. Last evaluated: 2025-12-01. Review status: criteria provided, single submitter. Criteria: CeGaT Center For Human Genetics Tuebingen Variant Classification Criteria Version 2. Collection method: clinical testing. Allele origin: germline. Affected: yes. Observed: 1 variant allele.
Comment: TLK2: PM2, PP2